The following is an entry in ClinVar:

NM_030928.4(CDT1):c.56G>A (p.Arg19His)

Genes: CDT1 (chromatin licensing and DNA replication factor 1; plus strand), LOC130059759 (ATAC-STARR-seq lymphoblastoid silent region 7878; plus strand). Cytogenetic location: 16q24.3.
Variant type: single nucleotide variant.
Coding change: c.56G>A on transcript NM_030928.4 (MANE Select); coding-DNA position 56, G replaced by A.
Protein change: p.Arg19His; replaces arginine 19 with histidine.
Molecular consequence: missense variant.
Genome position (GRCh38, 1-based): chr16:88,803,887, G>A. VCF-style: chr16-88803887-G-A. GRCh37 (hg19) VCF-style: chr16-88870295-G-A.
Other names: short protein forms R19H.
Identifiers: ClinVar variation 1012020 (VCV001012020.9), dbSNP rs772886944, ClinGen allele CA397069919.

ClinVar aggregate classification (germline): Uncertain significance (1 of 4 stars; one submission).

Allele frequency attached by ClinVar (database versions not stated): TOPMed 0.00001; gnomAD 0.00001.
gnomAD v4.1: 4 of 1,458,336 alleles (0.00027%); highest among the groups gnomAD compares: African/African-American, 0.0029%; no homozygotes.

Submission:

Labcorp Genetics (formerly Invitae), Labcorp
Classification: Uncertain significance. Last evaluated: 2025-05-07. Review status: criteria provided, single submitter. Criteria: Invitae Variant Classification Sherloc (09022015). Collection method: clinical testing. Allele origin: germline.
Comment: This sequence change replaces arginine, which is basic and polar, with histidine, which is basic and polar, at codon 19 of the CDT1 protein (p.Arg19His). This variant is present in population databases (no rsID available, gnomAD 0.007%). This variant has not been reported in the literature in individuals affected with CDT1-related conditions. ClinVar contains an entry for this variant (Variation ID: 1012020). An algorithm developed to predict the effect of missense changes on protein structure and function outputs the following: PolyPhen-2: "Benign". The histidine amino acid residue is found in multiple mammalian species, which suggests that this missense change does not adversely affect protein function. In summary, the available evidence is currently insufficient to determine the role of this variant in disease. Therefore, it has been classified as a Variant of Uncertain Significance.